The following is an entry in ClinVar:

NM_000053.4(ATP7B):c.3271T>G (p.Cys1091Gly)

Gene: ATP7B (ATPase copper transporting beta; minus strand). Cytogenetic location: 13q14.3.
Variant type: single nucleotide variant.
Coding change: c.3271T>G on transcript NM_000053.4 (MANE Select); coding-DNA position 3271, T replaced by G.
Protein change: p.Cys1091Gly; replaces cysteine 1091 with glycine.
Molecular consequence: missense variant.
Genome position (GRCh38, 1-based): chr13:51,942,527, A>C on the plus strand (T>G on the coding strand, the complement: ATP7B is on the minus strand). VCF-style: chr13-51942527-A-C. GRCh37 (hg19) VCF-style: chr13-52516663-A-C.
Other names: c.2650T>G, p.Cys884Gly (NM_001005918.3); c.2938T>G, p.Cys980Gly (NM_001243182.2); c.3037T>G, p.Cys1013Gly (NM_001330578.2, NM_001406527.1, NM_001406528.1 and 1 more transcripts); c.3019T>G, p.Cys1007Gly (NM_001330579.2, NM_001406531.1, NM_001406532.1); c.3271T>G, p.Cys1091Gly (NM_001406511.1, NM_001406512.1, NM_001406526.1); c.3265T>G, p.Cys1089Gly (NM_001406513.1); c.3238T>G, p.Cys1080Gly (NM_001406514.1); c.3217T>G, p.Cys1073Gly (NM_001406515.1, NM_001406516.1); and 19 more; short protein forms C1007G, C1011G, C1013G, C1026G, C1030G, C1032G, C1043G, C1046G.
Identifiers: ClinVar variation 4688256 (VCV004688256.1).
Genomic context (GRCh38, chr13:51,942,527, plus strand): 5'-CTTCCACGTTGCTGACTTTGCACCCAATTCCACAGCCTGGCACTGCCTGGAAGTCCGTGC[A>C]GTATCCCAAGGTCTCTGTTCCAAGTTCCTGGGAAGGTGGAAAGAGAGGAAGAGGAAACTG-3'
Protein context (NP_000044.2, residues 1081-1101): EELGTETLGY[Cys1091Gly]TDFQAVPGCG

ClinVar aggregate classification (germline): Uncertain significance (1 of 4 stars; one submission).

Submission:

Women's Health and Genetics/Laboratory Corporation of America, LabCorp
Classification: Uncertain significance. Last evaluated: 2025-12-16. Review status: criteria provided, single submitter. Criteria: LabCorp Variant Classification Summary - May 2015. Collection method: clinical testing. Allele origin: germline.
Comment: Variant summary: ATP7B c.3271T>G (p.Cys1091Gly) results in a non-conservative amino acid change in the encoded protein sequence. Algorithms developed to predict the effect of missense changes on protein structure and function are either unavailable or do not agree on the potential impact of this missense change. The variant was absent in 249554 control chromosomes. The available data on variant occurrences in the general population are insufficient to allow any conclusion about variant significance. To our knowledge, no occurrence of c.3271T>G in individuals affected with ATP7B-related conditions and no experimental evidence demonstrating its impact on protein function have been reported. No submitters have cited clinical-significance assessments for this variant to ClinVar. Based on the evidence outlined above, the variant was classified as uncertain significance.